The following is an entry in ClinVar:

NC_000009.11:g.(2170473_2181570)_(2193621_?)dup

Gene: SMARCA2 (SWI/SNF related BAF chromatin remodeling complex subunit ATPase 2; plus strand). Cytogenetic location: 9p24.3.
Variant type: Duplication.
Identifiers: ClinVar variation 4536819 (VCV004536819.1).

ClinVar aggregate classification (germline): Uncertain significance (1 of 4 stars; one submission).

Submission:

Women's Health and Genetics/Laboratory Corporation of America, LabCorp
Classification: Uncertain significance. Last evaluated: 2025-11-11. Review status: criteria provided, single submitter. Criteria: LabCorp Variant Classification Summary - May 2015. Collection method: clinical testing. Allele origin: germline.
Comment: Variant summary: The variant involves the duplication of exons 30-34 in the SMARCA2 gene. A presumed nomenclature of c.(4253+1_4254-1)_(*882_?)dup has been designated for the purposes of this classification. The exact breakpoint at the 3' end of this variant is unknown, therefore this duplication may extend downstream of the annotated region of the gene. As it duplicates the termination codon, its effect on the encoded protein is unknown. The variant was absent in 21694 control chromosomes. The available data on variant occurrences in the general population are insufficient to allow any conclusion about variant significance. To our knowledge, no occurrence of c.(4253+1_4254-1)_(*882_?)dup in individuals affected with SMARCA2-related conditions and no experimental evidence demonstrating its impact on protein function have been reported. No submitters have cited clinical-significance assessments for this variant to ClinVar. Based on the evidence outlined above, the variant was classified as uncertain significance.